The following is an entry in ClinVar:

ClinVar aggregate classification (germline): Uncertain significance (1 of 4 stars; one submission).

Conditions:
Primary ciliary dyskinesia. Also called: Ciliary dyskinesia. Identifiers: Orphanet 244, MedGen C0008780, MONDO:0016575, HP:0012265.

Submission:

Labcorp Genetics (formerly Invitae), Labcorp
Classification: Uncertain significance for Primary ciliary dyskinesia. Last evaluated: 2024-04-04. Review status: criteria provided, single submitter. Criteria: Invitae Variant Classification Sherloc (09022015). Collection method: clinical testing. Allele origin: germline.
Comment: This sequence change falls in intron 60 of the DNAH11 gene. It does not directly change the encoded amino acid sequence of the DNAH11 protein. It affects a nucleotide within the consensus splice site. This variant is not present in population databases (gnomAD no frequency). This variant has not been reported in the literature in individuals affected with DNAH11-related conditions. Variants that disrupt the consensus splice site are a relatively common cause of aberrant splicing (PMID: 17576681, 9536098). Algorithms developed to predict the effect of sequence changes on RNA splicing suggest that this variant may disrupt the consensus splice site. In summary, the available evidence is currently insufficient to determine the role of this variant in disease. Therefore, it has been classified as a Variant of Uncertain Significance.

Literature cited by the submitters: PubMed 17576681; PubMed 9536098.

NM_001277115.2(DNAH11):c.9924+2dup

Gene: DNAH11 (dynein axonemal heavy chain 11; plus strand). Cytogenetic location: 7p15.3.
Variant type: Duplication.
Coding change: c.9924+2dup on transcript NM_001277115.2 (MANE Select); the canonical splice donor site of the intron after coding-DNA position 9924, one base duplicated (T; older notation c.9924+2dupT).
Molecular consequence: splice donor variant.
Genome position (GRCh38, 1-based): chr7:21,787,585, T duplicated. VCF-style (leftmost placement, unchanged base first): chr7-21787584-G-GT. GRCh37 (hg19) VCF-style: chr7-21827202-G-GT.
Identifiers: ClinVar variation 3648828 (VCV003648828.2).